The following is an entry in ClinVar:

ClinVar aggregate classification (germline): Uncertain significance. Review status: criteria provided, multiple submitters, no conflicts (2 of 4 stars). 3 submissions from 3 submitters: Uncertain significance (3). Last evaluated 2025-06-30.

Conditions:
Hereditary cancer-predisposing syndrome. Also called: Tumor predisposition; Hereditary Cancer Syndrome; Hereditary neoplastic syndrome; Neoplastic Syndromes, Hereditary. Identifiers: Orphanet 140162, MedGen C0027672, MeSH D009386, MONDO:0015356.
Familial adenomatous polyposis 1 (FAP1). Also called: FAMILIAL ADENOMATOUS POLYPOSIS 1, ATTENUATED; POLYPOSIS, ADENOMATOUS INTESTINAL. Identifiers: MedGen C2713442, MONDO:0021056, OMIM 175100. Disease mechanism: loss of function.

Allele frequency attached by ClinVar (database versions not stated): TOPMed 0.00002.
gnomAD v4.1: 13 of 1,613,726 alleles (0.00081%); highest among the groups gnomAD compares: Non-Finnish European, 0.0011%; no homozygotes.

Submissions (3):

Color Diagnostics, LLC DBA Color Health
Classification: Uncertain significance for Hereditary cancer-predisposing syndrome. Last evaluated: 2025-06-30. Review status: criteria provided, single submitter. Criteria: ACMG Guidelines, 2015. Collection method: clinical testing. Allele origin: germline.
Comment: This missense variant replaces isoleucine with arginine at codon 2083 of the APC protein. Computational prediction suggests that this variant may not impact protein structure and function. To our knowledge, functional studies have not been reported for this variant. This variant has not been reported in individuals affected with APC-related disorders in the literature. This variant has been identified in 1/250626 chromosomes in the general population by the Genome Aggregation Database (gnomAD). The available evidence is insufficient to determine the role of this variant in disease conclusively. Therefore, this variant is classified as a Variant of Uncertain Significance.

Ambry Genetics
Classification: Uncertain significance for Hereditary cancer-predisposing syndrome. Last evaluated: 2025-04-10. Review status: criteria provided, single submitter. Criteria: Ambry Variant Classification Scheme 2023. Collection method: clinical testing. Allele origin: germline.
Comment: The p.I2083R variant (also known as c.6248T>G), located in coding exon 15 of the APC gene, results from a T to G substitution at nucleotide position 6248. The isoleucine at codon 2083 is replaced by arginine, an amino acid with similar properties. This amino acid position is not well conserved in available vertebrate species. In addition, in silico predictors for this gene do not accurately predict pathogenicity. Since supporting evidence is limited at this time, the clinical significance of this alteration remains unclear.

Labcorp Genetics (formerly Invitae), Labcorp
Classification: Uncertain significance for Familial adenomatous polyposis 1. Last evaluated: 2024-10-07. Review status: criteria provided, single submitter. Criteria: Invitae Variant Classification Sherloc (09022015). Collection method: clinical testing. Allele origin: germline.
Comment: This sequence change replaces isoleucine, which is neutral and non-polar, with arginine, which is basic and polar, at codon 2083 of the APC protein (p.Ile2083Arg). This variant is present in population databases (no rsID available, gnomAD 0.0009%). This variant has not been reported in the literature in individuals affected with APC-related conditions. ClinVar contains an entry for this variant (Variation ID: 537534). Invitae Evidence Modeling of protein sequence and biophysical properties (such as structural, functional, and spatial information, amino acid conservation, physicochemical variation, residue mobility, and thermodynamic stability) indicates that this missense variant is not expected to disrupt APC protein function with a negative predictive value of 95%. In summary, the available evidence is currently insufficient to determine the role of this variant in disease. Therefore, it has been classified as a Variant of Uncertain Significance.

NM_000038.6(APC):c.6248T>G (p.Ile2083Arg)

Gene: APC (APC regulator of Wnt signaling pathway; plus strand). Cytogenetic location: 5q22.2.
Variant type: single nucleotide variant.
Coding change: c.6248T>G on transcript NM_000038.6 (MANE Select); coding-DNA position 6248, T replaced by G.
Protein change: p.Ile2083Arg; replaces isoleucine 2083 with arginine.
Molecular consequence: missense variant.
Genome position (GRCh38, 1-based): chr5:112,841,842, T>G. VCF-style: chr5-112841842-T-G. GRCh37 (hg19) VCF-style: chr5-112177539-T-G.
Other names: c.6248T>G, p.Ile2083Arg (NM_001127510.3, NM_001354895.2); c.6194T>G, p.Ile2065Arg (NM_001127511.3); c.6302T>G, p.Ile2101Arg (NM_001354896.2); c.6278T>G, p.Ile2093Arg (NM_001354897.2); c.6173T>G, p.Ile2058Arg (NM_001354898.2); c.6164T>G, p.Ile2055Arg (NM_001354899.2); c.6125T>G, p.Ile2042Arg (NM_001354900.2); c.6071T>G, p.Ile2024Arg (NM_001354901.2); and 5 more; short protein forms I2083R, I2065R, I1800R, I2055R, I2093R, I1923R, I2058R, I2101R.
Identifiers: ClinVar variation 537534 (VCV000537534.17), dbSNP rs758715972, ClinGen allele CA16035017.